The following is an entry in ClinVar:

NM_001326342.2(CELF2):c.245G>A (p.Arg82Gln)

Gene: CELF2 (CUGBP Elav-like family member 2; plus strand). Cytogenetic location: 10p14.
Variant type: single nucleotide variant.
Coding change: c.245G>A on transcript NM_001326342.2 (MANE Select); coding-DNA position 245, G replaced by A.
Protein change: p.Arg82Gln; replaces arginine 82 with glutamine.
Molecular consequence: missense variant. On other transcripts: 5 prime UTR variant (4).
Genome position (GRCh38, 1-based): chr10:11,165,656, G>A. VCF-style: chr10-11165656-G-A. GRCh37 (hg19) VCF-style: chr10-11207619-G-A.
Other names: c.152G>A, p.Arg51Gln (NM_001025076.2, NM_001083591.1, NM_001326317.2 and 15 more transcripts); c.224G>A, p.Arg75Gln (NM_001025077.3, NM_001326331.2, NM_001326332.2 and 4 more transcripts); c.317G>A, p.Arg106Gln (NM_001326325.2); c.260G>A, p.Arg87Gln (NM_001326326.2, NM_001326327.2); c.-381G>A (NM_001326333.2); c.-27G>A (NM_001326338.2, NM_001326339.2); c.245G>A, p.Arg82Gln (NM_001326340.2, NM_001326341.2, NM_001326343.2 and 4 more transcripts); c.-298G>A (NM_001326346.2); and 1 more; short protein forms R87Q, R106Q, R51Q, R59Q, R75Q, R82Q.
Identifiers: ClinVar variation 1697015 (VCV001697015.2), dbSNP rs2133355531, ClinGen allele CA375986963.
Genomic context (GRCh38, chr10:11,165,656, plus strand): 5'-AGCTGAAAGAACTTTTTGAGCCTTACGGAGCCGTCTACCAGATCAACGTCCTCCGGGACC[G>A]GAGTCAGAACCCTCCGCAGAGTAAAGGTACAGAGCGCGGGGCGGGGGTCGCCAGGCGTCC-3'
Protein context (NP_001313271.1, residues 72-92): AVYQINVLRD[Arg82Gln]SQNPPQSKGC

ClinVar aggregate classification (germline): Uncertain significance (1 of 4 stars; one submission).

Submission:

GeneDx
Classification: Uncertain significance. Last evaluated: 2022-01-12. Review status: criteria provided, single submitter. Criteria: GeneDx Variant Classification Process June 2021. Collection method: clinical testing. Allele origin: germline. Affected: yes.
Comment: Not observed at significant frequency in large population cohorts (gnomAD); In silico analysis supports that this missense variant does not alter protein structure/function; Has not been previously published as pathogenic or benign to our knowledge